The following is an entry in ClinVar:

NM_000038.6(APC):c.7701T>C (p.Thr2567=)

Gene: APC (APC regulator of Wnt signaling pathway; plus strand). Cytogenetic location: 5q22.2.
Variant type: single nucleotide variant.
Coding change: c.7701T>C on transcript NM_000038.6 (MANE Select); coding-DNA position 7701, T replaced by C.
Protein change: p.Thr2567=; no amino-acid change (threonine 2567 retained).
Molecular consequence: synonymous variant. On other transcripts: non-coding transcript variant (2).
Genome position (GRCh38, 1-based): chr5:112,843,295, T>C. VCF-style: chr5-112843295-T-C. GRCh37 (hg19) VCF-style: chr5-112178992-T-C.
Other names: c.7701T>C, p.Thr2567= (NM_001127510.3, NM_001354895.2, NM_001407450.1); c.7647T>C, p.Thr2549= (NM_001127511.3); c.7755T>C, p.Thr2585= (NM_001354896.2, NM_001407447.1, NM_001407448.1 and 1 more transcripts); c.7731T>C, p.Thr2577= (NM_001354897.2); c.7626T>C, p.Thr2542= (NM_001354898.2); c.7617T>C, p.Thr2539= (NM_001354899.2); c.7578T>C, p.Thr2526= (NM_001354900.2); c.7524T>C, p.Thr2508= (NM_001354901.2, NM_001407453.1); and 11 more.
Identifiers: ClinVar variation 2587032 (VCV002587032.5), dbSNP rs2533813516, ClinGen allele CA446211144.

ClinVar aggregate classification (germline): Benign/Likely benign. Review status: criteria provided, multiple submitters, no conflicts (2 of 4 stars). 3 submissions from 3 submitters: Benign (1); Likely benign (2). Last evaluated 2024-04-10.

Conditions:
Familial adenomatous polyposis 1 (FAP1). Also called: FAMILIAL ADENOMATOUS POLYPOSIS 1, ATTENUATED; POLYPOSIS, ADENOMATOUS INTESTINAL. Identifiers: MedGen C2713442, MONDO:0021056, OMIM 175100. Disease mechanism: loss of function.
Hereditary cancer-predisposing syndrome. Also called: Hereditary neoplastic syndrome; Tumor predisposition; Hereditary Cancer Syndrome; Neoplastic Syndromes, Hereditary. Identifiers: Orphanet 140162, MedGen C0027672, MeSH D009386, MONDO:0015356.

Submissions (3):

Myriad Genetics, Inc.
Classification: Benign for Familial adenomatous polyposis 1. Last evaluated: 2024-04-10. Review status: criteria provided, single submitter. Criteria: Myriad Autosomal Dominant, Autosomal Recessive and X-Linked Classification Criteria (2023). Collection method: clinical testing. Allele origin: unknown.
Comment: This variant is considered benign. This variant is a silent/synonymous amino acid change and it is not expected to impact splicing.

Ambry Genetics
Classification: Likely benign for Hereditary cancer-predisposing syndrome. Last evaluated: 2023-08-31. Review status: criteria provided, single submitter. Criteria: Ambry Variant Classification Scheme 2023. Collection method: clinical testing. Allele origin: germline.

Color Diagnostics, LLC DBA Color Health
Classification: Likely benign for Hereditary cancer-predisposing syndrome. Last evaluated: 2022-12-24. Review status: criteria provided, single submitter. Criteria: ACMG Guidelines, 2015. Collection method: clinical testing. Allele origin: germline.